The following is an entry in ClinVar:

NM_003322.6(TULP1):c.47+3C>A

Gene: TULP1 (TUB like protein 1; minus strand). Cytogenetic location: 6p21.31.
Variant type: single nucleotide variant.
Coding change: c.47+3C>A on transcript NM_003322.6 (MANE Select); 3 bases into the intron after coding-DNA position 47, C replaced by A.
Molecular consequence: intron variant.
Genome position (GRCh38, 1-based): chr6:35,512,809, G>T on the plus strand (C>A on the coding strand, the complement: TULP1 is on the minus strand). VCF-style: chr6-35512809-G-T. GRCh37 (hg19) VCF-style: chr6-35480586-G-T.
Other names: c.47+3C>A (NM_001289395.2).
Identifiers: ClinVar variation 1919184 (VCV001919184.5), dbSNP rs748291939, ClinGen allele CA3773061.

ClinVar aggregate classification (germline): Uncertain significance (1 of 4 stars; one submission).

Allele frequency attached by ClinVar (database versions not stated): ExAC 0.00001; gnomAD exomes 0.00001.
gnomAD v4.1: 9 of 1,556,878 alleles (0.00058%); highest among the groups gnomAD compares: Non-Finnish European, 0.0007%; no homozygotes.

Submission:

Labcorp Genetics (formerly Invitae), Labcorp
Classification: Uncertain significance. Last evaluated: 2023-10-03. Review status: criteria provided, single submitter. Criteria: Invitae Variant Classification Sherloc (09022015). Collection method: clinical testing. Allele origin: germline.
Comment: This sequence change falls in intron 1 of the TULP1 gene. It does not directly change the encoded amino acid sequence of the TULP1 protein. It affects a nucleotide within the consensus splice site. This variant is present in population databases (rs748291939, gnomAD 0.002%). This variant has not been reported in the literature in individuals affected with TULP1-related conditions. ClinVar contains an entry for this variant (Variation ID: 1919184). Variants that disrupt the consensus splice site are a relatively common cause of aberrant splicing (PMID: 17576681, 9536098). Algorithms developed to predict the effect of sequence changes on RNA splicing suggest that this variant may create or strengthen a splice site. In summary, the available evidence is currently insufficient to determine the role of this variant in disease. Therefore, it has been classified as a Variant of Uncertain Significance.

Literature cited by the submitters: PubMed 17576681; PubMed 9536098.